The following is an entry in ClinVar:

NM_002439.5(MSH3):c.2378A>T (p.Asn793Ile)

Gene: MSH3 (mutS homolog 3; plus strand). Cytogenetic location: 5q14.1.
Variant type: single nucleotide variant.
Coding change: c.2378A>T on transcript NM_002439.5 (MANE Select); coding-DNA position 2378, A replaced by T.
Protein change: p.Asn793Ile; replaces asparagine 793 with isoleucine.
Molecular consequence: missense variant.
Genome position (GRCh38, 1-based): chr5:80,778,779, A>T. VCF-style: chr5-80778779-A-T. GRCh37 (hg19) VCF-style: chr5-80074598-A-T.
Other names: short protein forms N793I.
Identifiers: ClinVar variation 3913606 (VCV003913606.1).

ClinVar aggregate classification (germline): Uncertain significance (1 of 4 stars; one submission).

Conditions:
Hereditary cancer-predisposing syndrome. Also called: Hereditary Cancer Syndrome; Hereditary neoplastic syndrome; Neoplastic Syndromes, Hereditary; Tumor predisposition. Identifiers: Orphanet 140162, MedGen C0027672, MeSH D009386, MONDO:0015356.

Submission:

Ambry Genetics
Classification: Uncertain significance for Hereditary cancer-predisposing syndrome. Last evaluated: 2025-03-22. Review status: criteria provided, single submitter. Criteria: Ambry Variant Classification Scheme 2023. Collection method: clinical testing. Allele origin: germline.
Comment: The p.N793I variant (also known as c.2378A>T), located in coding exon 17 of the MSH3 gene, results from an A to T substitution at nucleotide position 2378. The asparagine at codon 793 is replaced by isoleucine, an amino acid with dissimilar properties. This amino acid position is conserved. In addition, the in silico prediction for this alteration is inconclusive. Based on the available evidence, the clinical significance of this variant remains unclear.